The following is an entry in ClinVar:

ClinVar aggregate classification (germline): Likely benign (1 of 4 stars; one submission).

Allele frequency attached by ClinVar (database versions not stated): gnomAD 0.00824 and 0.00877; TOPMed 0.00909; 1000 Genomes Project 0.01038; 1000 Genomes Project 30x 0.01062.
gnomAD v4.1: 1,236 of 151,230 alleles (0.82%); highest among the groups gnomAD compares: African/African-American, 2.9%; 23 homozygotes.

Submission:

GeneDx
Classification: Likely benign. Last evaluated: 2018-06-16. Review status: criteria provided, single submitter. Criteria: GeneDx Variant Classification (06012015). Collection method: clinical testing. Allele origin: germline. Affected: yes.
Comment: This variant is considered likely benign or benign based on one or more of the following criteria: it is a conservative change, it occurs at a poorly conserved position in the protein, it is predicted to be benign by multiple in silico algorithms, and/or has population frequency not consistent with disease.

NM_000719.7(CACNA1C):c.2103+190A>G

Gene: CACNA1C (calcium voltage-gated channel subunit alpha1 C; plus strand). Cytogenetic location: 12p13.33.
Variant type: single nucleotide variant.
Coding change: c.2103+190A>G on transcript NM_000719.7 (MANE Select); 190 bases into the intron after coding-DNA position 2103, A replaced by G.
Molecular consequence: intron variant.
Genome position (GRCh38, 1-based): chr12:2,581,987, A>G. VCF-style: chr12-2581987-A-G. GRCh37 (hg19) VCF-style: chr12-2691153-A-G.
Other names: c.2103+190A>G (NM_001167624.3, NM_001167623.2, NM_001167625.2 and 18 more transcripts); c.2094+190A>G (NM_001129844.2).
Identifiers: ClinVar variation 676064 (VCV000676064.1), dbSNP rs150289490, ClinGen allele CA231584619.